The following is an entry in ClinVar:

NM_002878.4(RAD51D):c.480+8C>T

Genes: RAD51D (RAD51 paralog D; minus strand), RAD51L3-RFFL (RAD51L3-RFFL readthrough; minus strand). Cytogenetic location: 17q12.
Variant type: single nucleotide variant.
Coding change: c.480+8C>T on transcript NM_002878.4 (MANE Select); 8 bases into the intron after coding-DNA position 480, C replaced by T.
Molecular consequence: intron variant.
Genome position (GRCh38, 1-based): chr17:35,106,980, G>A on the plus strand (C>T on the coding strand, the complement: RAD51D is on the minus strand). VCF-style: chr17-35106980-G-A. GRCh37 (hg19) VCF-style: chr17-33433999-G-A.
Other names: c.145-499C>T (NM_133629.3); c.540+8C>T (NM_001142571.2).
Identifiers: ClinVar variation 1709959 (VCV001709959.2), dbSNP rs2142431951, ClinGen allele CA2580093494.

ClinVar aggregate classification (germline): Uncertain significance (1 of 4 stars; one submission).

Conditions:
Breast-ovarian cancer, familial, susceptibility to, 4. Identifiers: Orphanet 145, MedGen C3280345, MONDO:0013669, OMIM 614291.

Submission:

MGZ Medical Genetics Center
Classification: Uncertain significance for Breast-ovarian cancer, familial, susceptibility to, 4. Last evaluated: 2021-08-20. Review status: criteria provided, single submitter. Criteria: ACMG Guidelines, 2015. Collection method: clinical testing. Allele origin: germline. Affected: yes. Observed: 1 variant allele.
Comment: ACMG criteria applied: PM2_SUP, PP3